The following is an entry in ClinVar:

NM_002291.3(LAMB1):c.1829A>G (p.Tyr610Cys)

Gene: LAMB1 (laminin subunit beta 1; minus strand). Cytogenetic location: 7q31.1.
Variant type: single nucleotide variant.
Coding change: c.1829A>G on transcript NM_002291.3 (MANE Select); coding-DNA position 1829, A replaced by G.
Protein change: p.Tyr610Cys; replaces tyrosine 610 with cysteine.
Molecular consequence: missense variant.
Genome position (GRCh38, 1-based): chr7:107,962,933, T>C on the plus strand (A>G on the coding strand, the complement: LAMB1 is on the minus strand). VCF-style: chr7-107962933-T-C. GRCh37 (hg19) VCF-style: chr7-107603378-T-C.
Other names: short protein forms Y610C.
Identifiers: ClinVar variation 2885418 (VCV002885418.3), dbSNP rs749317191, ClinGen allele CA4435873.
Genomic context (GRCh38, chr7:107,962,933, plus strand): 5'-TCCTCCACCAGTCCACTAAGTGGTTTCTTTACCTGTGGCTCGTAGCGAATTAGGATGTCG[T>C]ACTCCATGGAATATGGTATGTTGTCAATGAAAAACTCCAAATAAGCCCCTTCAGGCACTC-3'
Protein context (NP_002282.2, residues 600-620): FIDNIPYSME[Tyr610Cys]DILIRYEPQL

ClinVar aggregate classification (germline): Uncertain significance (1 of 4 stars; one submission).

Allele frequency attached by ClinVar (database versions not stated): TOPMed 0.00002; gnomAD 0.00004; gnomAD exomes 0.00005; ExAC 0.00007.
gnomAD v4.1: 78 of 1,613,844 alleles (0.0048%); highest among the groups gnomAD compares: South Asian, 0.053%; 2 homozygotes.

Submission:

Labcorp Genetics (formerly Invitae), Labcorp
Classification: Uncertain significance. Last evaluated: 2025-02-05. Review status: criteria provided, single submitter. Criteria: Invitae Variant Classification Sherloc (09022015). Collection method: clinical testing. Allele origin: germline.
Comment: This sequence change replaces tyrosine, which is neutral and polar, with cysteine, which is neutral and slightly polar, at codon 610 of the LAMB1 protein (p.Tyr610Cys). This variant is present in population databases (rs749317191, gnomAD 0.05%). This variant has not been reported in the literature in individuals affected with LAMB1-related conditions. ClinVar contains an entry for this variant (Variation ID: 2885418). An algorithm developed to predict the effect of missense changes on protein structure and function (PolyPhen-2) suggests that this variant is likely to be disruptive. In summary, the available evidence is currently insufficient to determine the role of this variant in disease. Therefore, it has been classified as a Variant of Uncertain Significance.